The following is an entry in ClinVar:

NM_001352514.2(HLCS):c.1939del (p.Ala647fs)

Gene: HLCS (holocarboxylase synthetase; minus strand). Cytogenetic location: 21q22.13.
Variant type: Deletion.
Coding change: c.1939del on transcript NM_001352514.2 (MANE Select); coding-DNA position 1939, one base deleted (G; older notation c.1939delG).
Protein change: p.Ala647fs; shifts the reading frame from alanine 647.
Molecular consequence: frameshift variant. On other transcripts: non-coding transcript variant (2).
Genome position (GRCh38, 1-based): chr21:36,767,239, C deleted on the plus strand (G on the coding strand, the reverse complement: HLCS is on the minus strand); the first of 2 consecutive C bases (chr21:36,767,239-36,767,240); deleting either gives the same sequence. VCF-style (leftmost placement, unchanged base first): chr21-36767238-GC-G. GRCh37 (hg19) VCF-style: chr21-38139539-GC-G.
Other names: c.1498del, p.Ala500fs (NM_000411.8, NM_001242784.3, NM_001242785.2 and 4 more transcripts); short protein forms A500fs, A647fs.
Identifiers: ClinVar variation 5014889 (VCV005014889.1).
Genomic context (GRCh38, chr21:36,767,238, plus strand): 5'-AAAACAGAAGTAACAGCAATGATCACAAAAGATGACTGACCTTTGCCCTCGGTCTGCCGG[GC>G]CGCGATCACTATTAAGCCCATTTCCTGCGGTGTCTGAAACATCAGCCTGCCGAAGAGGGG-3'

ClinVar aggregate classification (germline): Pathogenic (1 of 4 stars; one submission).

Conditions:
Holocarboxylase synthetase deficiency. Also called: MULTIPLE CARBOXYLASE DEFICIENCY, EARLY ONSET. Identifiers: Orphanet 79242, MedGen C0268581, MONDO:0009666, OMIM 253270.

Submission:

Myriad Genetics, Inc.
Classification: Pathogenic for Holocarboxylase synthetase deficiency. Last evaluated: 2025-08-19. Review status: criteria provided, single submitter. Criteria: Myriad Autosomal Dominant, Autosomal Recessive and X-Linked Classification Criteria (2023). Collection method: clinical testing. Allele origin: unknown.
Comment: NM_000411.6(HLCS):c.1498delG(A500Pfs*15) is expected to be pathogenic in the context of holocarboxylase synthetase deficiency. This variant is predicted to lead to an abnormal or absent protein product due to the creation of a premature termination codon in HLCS, a gene where loss-of-function variants are known to be pathogenic. Please note: this variant was assessed in the context of healthy population screening.